The following is an entry in ClinVar:

NM_024426.6(WT1):c.973G>T (p.Ala325Ser)

Gene: WT1 (WT1 transcription factor; minus strand). Cytogenetic location: 11p13.
Variant type: single nucleotide variant.
Coding change: c.973G>T on transcript NM_024426.6 (MANE Select); coding-DNA position 973, G replaced by T.
Protein change: p.Ala325Ser; replaces alanine 325 with serine.
Molecular consequence: missense variant. On other transcripts: non-coding transcript variant (1), intron variant (2).
Genome position (GRCh38, 1-based): chr11:32,416,533, C>A on the plus strand (G>T on the coding strand, the complement: WT1 is on the minus strand). VCF-style: chr11-32416533-C-A. GRCh37 (hg19) VCF-style: chr11-32438079-C-A.
Other names: c.322G>T, p.Ala108Ser (NM_001198551.2); c.973G>T, p.Ala325Ser (NM_001407044.1, NM_001407046.1, NM_024424.5); c.850G>T, p.Ala284Ser (NM_001407047.1); c.211G>T, p.Ala71Ser (NM_001407051.1); c.965+1044G>T (NM_000378.6); c.314+1044G>T (NM_001198552.2); c.958G>T (NM_024426.4); short protein forms A284S, A71S, A320S, A108S, A325S.
Identifiers: ClinVar variation 2094212 (VCV002094212.5), dbSNP rs1712081462, ClinGen allele CA379961877.

ClinVar aggregate classification (germline): Uncertain significance. Review status: criteria provided, multiple submitters, no conflicts (2 of 4 stars). 2 submissions from 2 submitters: Uncertain significance (2). Last evaluated 2025-09-09.

Conditions:
Drash syndrome (DDS). Also called: NEPHROPATHY, WILMS TUMOR, AND GENITAL ANOMALIES; WILMS TUMOR AND PSEUDO- OR TRUE HERMAPHRODITISM. Identifiers: Orphanet 220, MedGen C0950121, MONDO:0008682, OMIM 194080.
Frasier syndrome. Identifiers: Orphanet 347, MedGen C0950122, MeSH D052159, MONDO:0007635, OMIM 136680.
Wilms tumor 1 (WT1). Also called: Wilms tumor, somatic. Identifiers: Orphanet 654, MedGen CN033288, MONDO:0008679, OMIM 194070.
11p partial monosomy syndrome (WAGR). Also called: CHROMOSOME 11p13 DELETION SYNDROME; WAGR syndrome; WAGR Complex; WAGR Spectrum Disorder. Identifiers: Orphanet 893, MedGen C0206115, MONDO:0008681, OMIM 194072.
Inborn genetic diseases. Identifiers: MedGen C0950123, MeSH D030342.

Allele frequency attached by ClinVar (database versions not stated): gnomAD exomes below 0.00001.
gnomAD v4.1: 1 of 1,614,034 alleles (0.000062%); highest among the groups gnomAD compares: Non-Finnish European, 0.000085%; no homozygotes.

Submissions (2):

Ambry Genetics
Classification: Uncertain significance for Inborn genetic diseases. Last evaluated: 2025-09-09. Review status: criteria provided, single submitter. Criteria: Ambry Variant Classification Scheme 2023. Collection method: clinical testing. Allele origin: germline.
Comment: The p.A320S variant (also known as c.958G>T), located in coding exon 5 of the WT1 gene, results from a G to T substitution at nucleotide position 958. The alanine at codon 320 is replaced by serine, an amino acid with similar properties. This amino acid position is well conserved in available vertebrate species. In addition, this alteration is predicted to be tolerated by in silico analysis. Based on the available evidence, the clinical significance of this variant remains unclear.

Labcorp Genetics (formerly Invitae), Labcorp
Classification: Uncertain significance for Wilms tumor 1; Drash syndrome; 11p partial monosomy syndrome; Frasier syndrome. Last evaluated: 2022-05-04. Review status: criteria provided, single submitter. Criteria: Invitae Variant Classification Sherloc (09022015). Collection method: clinical testing. Allele origin: germline.
Comment: This variant has not been reported in the literature in individuals affected with WT1-related conditions. Algorithms developed to predict the effect of missense changes on protein structure and function (SIFT, PolyPhen-2, Align-GVGD) all suggest that this variant is likely to be tolerated. In summary, the available evidence is currently insufficient to determine the role of this variant in disease. Therefore, it has been classified as a Variant of Uncertain Significance. This sequence change replaces alanine, which is neutral and non-polar, with serine, which is neutral and polar, at codon 320 of the WT1 protein (p.Ala320Ser). This variant is not present in population databases (gnomAD no frequency).